The following is an entry in ClinVar:

NM_152713.5(STT3A):c.1815C>G (p.Ser605Arg)

Gene: STT3A (STT3 oligosaccharyltransferase complex catalytic subunit A; plus strand). Cytogenetic location: 11q24.2.
Variant type: single nucleotide variant.
Coding change: c.1815C>G on transcript NM_152713.5 (MANE Select); coding-DNA position 1815, C replaced by G.
Protein change: p.Ser605Arg; replaces serine 605 with arginine.
Molecular consequence: missense variant.
Genome position (GRCh38, 1-based): chr11:125,618,413, C>G. VCF-style: chr11-125618413-C-G. GRCh37 (hg19) VCF-style: chr11-125488308-C-G.
Other names: c.1815C>G, p.Ser605Arg (NM_001278503.2); c.1539C>G, p.Ser513Arg (NM_001278504.2); short protein forms S605R, S513R.
Identifiers: ClinVar variation 2164897 (VCV002164897.4), dbSNP rs1429870385, ClinGen allele CA383186929.

ClinVar aggregate classification (germline): Uncertain significance (1 of 4 stars; one submission).

gnomAD v4.1: 1 of 1,612,830 alleles (0.000062%); no homozygotes.

Submission:

Labcorp Genetics (formerly Invitae), Labcorp
Classification: Uncertain significance. Last evaluated: 2022-01-07. Review status: criteria provided, single submitter. Criteria: Invitae Variant Classification Sherloc (09022015). Collection method: clinical testing. Allele origin: germline.
Comment: This variant is not present in population databases (gnomAD no frequency). This sequence change replaces serine, which is neutral and polar, with arginine, which is basic and polar, at codon 605 of the STT3A protein (p.Ser605Arg). This variant has not been reported in the literature in individuals affected with STT3A-related conditions. Algorithms developed to predict the effect of missense changes on protein structure and function are either unavailable or do not agree on the potential impact of this missense change (SIFT: "Tolerated"; PolyPhen-2: "Probably Damaging"; Align-GVGD: "Class C0"). In summary, the available evidence is currently insufficient to determine the role of this variant in disease. Therefore, it has been classified as a Variant of Uncertain Significance.